The following is an entry in ClinVar:

ClinVar aggregate classification (germline): Uncertain significance (1 of 4 stars; one submission).

Conditions:
Inborn genetic diseases. Identifiers: MedGen C0950123, MeSH D030342.

Submission:

Ambry Genetics
Classification: Uncertain significance for Inborn genetic diseases. Last evaluated: 2026-04-15. Review status: criteria provided, single submitter. Criteria: Ambry Variant Classification Scheme 2023. Collection method: clinical testing. Allele origin: germline.
Comment: The p.L119V variant (also known as c.355C>G), located in coding exon 3 of the HAX1 gene, results from a C to G substitution at nucleotide position 355. The leucine at codon 119 is replaced by valine, an amino acid with highly similar properties. This amino acid position is conserved. In addition, this alteration is predicted to be tolerated by in silico analysis. Based on the available evidence, the clinical significance of this variant remains unclear.

NM_006118.4(HAX1):c.355C>G (p.Leu119Val)

Gene: HAX1 (HCLS1 associated protein X-1; plus strand). Cytogenetic location: 1q21.3.
Variant type: single nucleotide variant.
Coding change: c.355C>G on transcript NM_006118.4 (MANE Select); coding-DNA position 355, C replaced by G.
Protein change: p.Leu119Val; replaces leucine 119 with valine.
Molecular consequence: missense variant.
Genome position (GRCh38, 1-based): chr1:154,273,812, C>G. VCF-style: chr1-154273812-C-G. GRCh37 (hg19) VCF-style: chr1-154246288-C-G.
Other names: c.211C>G, p.Leu71Val (NM_001018837.2); short protein forms L119V, L71V.
Identifiers: ClinVar variation 4858267 (VCV004858267.1).